The following is an entry in ClinVar:

ClinVar aggregate classification (germline): Uncertain significance. Review status: criteria provided, multiple submitters, no conflicts (2 of 4 stars). 2 submissions from 2 submitters: Uncertain significance (2). Last evaluated 2025-12-29.

Conditions:
Immunodeficiency 39 (IMD39). Identifiers: Orphanet 574918, MedGen C4225358, MONDO:0014597, OMIM 616345.

Submissions (2):

Labcorp Genetics (formerly Invitae), Labcorp
Classification: Uncertain significance for Immunodeficiency 39. Last evaluated: 2025-12-29. Review status: criteria provided, single submitter. Criteria: Invitae Variant Classification Sherloc (09022015). Collection method: clinical testing. Allele origin: germline.
Comment: This sequence change replaces glutamic acid, which is acidic and polar, with glutamine, which is neutral and polar, at codon 5 of the IRF7 protein (p.Glu5Gln). This variant is present in population databases (no rsID available, gnomAD 0.003%). This variant has not been reported in the literature in individuals affected with IRF7-related conditions. ClinVar contains an entry for this variant (Variation ID: 2187858). An algorithm developed to predict the effect of missense changes on protein structure and function (PolyPhen-2) suggests that this variant is likely to be disruptive. In summary, the available evidence is currently insufficient to determine the role of this variant in disease. Therefore, it has been classified as a Variant of Uncertain Significance.

Ambry Genetics
Classification: Uncertain significance. Last evaluated: 2025-06-18. Review status: criteria provided, single submitter. Criteria: Ambry Variant Classification Scheme 2023. Collection method: clinical testing. Allele origin: germline.

NM_001572.5(IRF7):c.20+39G>C

Gene: IRF7 (interferon regulatory factor 7; minus strand). Cytogenetic location: 11p15.5.
Variant type: single nucleotide variant.
Coding change: c.20+39G>C on transcript NM_001572.5 (MANE Select); 39 bases into the intron after coding-DNA position 20, G replaced by C.
Molecular consequence: intron variant. On other transcripts: missense variant (1).
Genome position (GRCh38, 1-based): chr11:615,306, C>G on the plus strand (G>C on the coding strand, the complement: IRF7 is on the minus strand). VCF-style: chr11-615306-C-G. GRCh37 (hg19) VCF-style: chr11-615306-C-G.
Other names: c.13G>C, p.Glu5Gln (NM_004031.4); c.20+39G>C (NM_004029.4); c.13G>C (NM_004031.2); short protein forms E5Q.
Identifiers: ClinVar variation 2187858 (VCV002187858.6), dbSNP rs1008065539, ClinGen allele CA216913712.